The following is an entry in ClinVar:

ClinVar aggregate classification (germline): Uncertain significance. Review status: criteria provided, multiple submitters, no conflicts (2 of 4 stars). 2 submissions from 2 submitters: Uncertain significance (2). Last evaluated 2023-08-04.

Conditions:
Developmental and epileptic encephalopathy, 14 (DEE14). Also called: Early infantile epileptic encephalopathy 14. Identifiers: Orphanet 293181, MedGen C3554195, MONDO:0013989, OMIM 614959.
Autosomal dominant nocturnal frontal lobe epilepsy 5. Also called: CILIARY DYSKINESIA, PRIMARY, 28, WITH SITUS INVERSUS; KCNT1-Related Epilepsy; CILIARY DYSKINESIA, PRIMARY, 28, WITHOUT SITUS INVERSUS; Epilepsy, nocturnal frontal lobe, 5. Identifiers: Orphanet 98784, MedGen C3554306, MONDO:0014002, OMIM 615005.

Allele frequency attached by ClinVar (database versions not stated): gnomAD exomes below 0.00001 and 0.00001; ExAC 0.00001; TOPMed 0.00001.
gnomAD v4.1: 9 of 1,613,396 alleles (0.00056%); highest among the groups gnomAD compares: East Asian, 0.0022%; no homozygotes.

Submissions (2):

Labcorp Genetics (formerly Invitae), Labcorp
Classification: Uncertain significance for Autosomal dominant nocturnal frontal lobe epilepsy 5; Developmental and epileptic encephalopathy, 14. Last evaluated: 2023-08-04. Review status: criteria provided, single submitter. Criteria: Invitae Variant Classification Sherloc (09022015). Collection method: clinical testing. Allele origin: germline.
Comment: In summary, the available evidence is currently insufficient to determine the role of this variant in disease. Therefore, it has been classified as a Variant of Uncertain Significance. This sequence change replaces proline, which is neutral and non-polar, with leucine, which is neutral and non-polar, at codon 326 of the KCNT1 protein (p.Pro326Leu). This variant is present in population databases (rs777106178, gnomAD 0.006%). This variant has not been reported in the literature in individuals affected with KCNT1-related conditions. ClinVar contains an entry for this variant (Variation ID: 916500). Advanced modeling of protein sequence and biophysical properties (such as structural, functional, and spatial information, amino acid conservation, physicochemical variation, residue mobility, and thermodynamic stability) performed at Invitae indicates that this missense variant is not expected to disrupt KCNT1 protein function.

CeGaT Center for Human Genetics Tuebingen
Classification: Uncertain significance. Last evaluated: 2020-04-01. Review status: criteria provided, single submitter. Criteria: CeGaT Center For Human Genetics Tuebingen Variant Classification Criteria Version 2. Collection method: clinical testing. Allele origin: germline. Affected: yes. Observed: 1 variant allele.

NM_020822.3(KCNT1):c.977C>T (p.Pro326Leu)

Gene: KCNT1 (potassium sodium-activated channel subfamily T member 1; plus strand). Cytogenetic location: 9q34.3.
Variant type: single nucleotide variant.
Coding change: c.977C>T on transcript NM_020822.3 (MANE Select); coding-DNA position 977, C replaced by T.
Protein change: p.Pro326Leu; replaces proline 326 with leucine.
Molecular consequence: missense variant.
Genome position (GRCh38, 1-based): chr9:135,759,801, C>T. VCF-style: chr9-135759801-C-T. GRCh37 (hg19) VCF-style: chr9-138651647-C-T.
Other names: c.842C>T, p.Pro281Leu (NM_001272003.2); short protein forms P281L, P326L.
Identifiers: ClinVar variation 916500 (VCV000916500.44), dbSNP rs777106178, ClinGen allele CA5326716.